The following is an entry in ClinVar:

ClinVar aggregate classification (germline): Uncertain significance (1 of 4 stars; one submission).

Conditions:
Epidermolysis bullosa simplex 3, localized or generalized intermediate, with BP230 deficiency (EBS3). Also called: Epidermolysis bullosa simplex, autosomal recessive 2; Epidermolysis bullosa simplex due to BP230 deficiency. Identifiers: Orphanet 412181, MedGen C3809470, MONDO:0014180, OMIM 615425.
Hereditary sensory and autonomic neuropathy type 6. Also called: Neuropathy, hereditary sensory and autonomic, type VI; HSAN VI. Identifiers: Orphanet 314381, MedGen C3539003, MONDO:0013839, OMIM 614653.

Submission:

Labcorp Genetics (formerly Invitae), Labcorp
Classification: Uncertain significance for Epidermolysis bullosa simplex 3, localized or generalized intermediate, with BP230 deficiency; Hereditary sensory and autonomic neuropathy type 6. Last evaluated: 2022-07-11. Review status: criteria provided, single submitter. Criteria: Invitae Variant Classification Sherloc (09022015). Collection method: clinical testing. Allele origin: germline.
Comment: In summary, the available evidence is currently insufficient to determine the role of this variant in disease. Therefore, it has been classified as a Variant of Uncertain Significance. Experimental studies and prediction algorithms are not available or were not evaluated, and the functional significance of this variant is currently unknown. This variant has not been reported in the literature in individuals affected with DST-related conditions. This variant is not present in population databases (gnomAD no frequency). This sequence change replaces tyrosine, which is neutral and polar, with histidine, which is basic and polar, at codon 1634 of the DST protein (p.Tyr1634His). The DST gene has multiple clinically relevant transcripts. This variant occurs in alternate transcript NM_015548.4, and corresponds to NM_001723.5:c.*23201T>C in the primary transcript.

NM_001374736.1(DST):c.12769T>C (p.Tyr4257His)

Gene: DST (dystonin; minus strand). Cytogenetic location: 6p12.1.
Variant type: single nucleotide variant.
Coding change: c.12769T>C on transcript NM_001374736.1 (MANE Select); coding-DNA position 12769, T replaced by C.
Protein change: p.Tyr4257His; replaces tyrosine 4257 with histidine.
Molecular consequence: missense variant.
Genome position (GRCh38, 1-based): chr6:56,592,316, A>G on the plus strand (T>C on the coding strand, the complement: DST is on the minus strand). VCF-style: chr6-56592316-A-G. GRCh37 (hg19) VCF-style: chr6-56457114-A-G.
Other names: c.6412T>C, p.Tyr2138His (NM_001144769.5); c.5998T>C, p.Tyr2000His (NM_001144770.2); c.12769T>C, p.Tyr4257His (NM_001374722.1); c.12136T>C, p.Tyr4046His (NM_001374729.1); c.5878T>C, p.Tyr1960His (NM_001374730.1, NM_001386100.1, NM_183380.4); c.12796T>C, p.Tyr4266His (NM_001374734.1); c.4900T>C, p.Tyr1634His (NM_015548.5); short protein forms Y1960H, Y4266H, Y1634H, Y2138H, Y2000H, Y4046H, Y4257H.
Identifiers: ClinVar variation 1999346 (VCV001999346.4), dbSNP rs2536123881, ClinGen allele CA364524702.